The following is an entry in ClinVar:

NM_031844.3(HNRNPU):c.1447G>A (p.Asp483Asn)

Gene: HNRNPU (heterogeneous nuclear ribonucleoprotein U; minus strand). Cytogenetic location: 1q44.
Variant type: single nucleotide variant.
Coding change: c.1447G>A on transcript NM_031844.3 (MANE Select); coding-DNA position 1447, G replaced by A.
Protein change: p.Asp483Asn; replaces aspartic acid 483 with asparagine.
Molecular consequence: missense variant.
Genome position (GRCh38, 1-based): chr1:244,858,058, C>T on the plus strand (G>A on the coding strand, the complement: HNRNPU is on the minus strand). VCF-style: chr1-244858058-C-T. GRCh37 (hg19) VCF-style: chr1-245021360-C-T.
Other names: c.1390G>A, p.Asp464Asn (NM_004501.3); short protein forms D464N, D483N.
Identifiers: ClinVar variation 3898549 (VCV003898549.7).
Genomic context (GRCh38, chr1:244,858,058, plus strand): 5'-AAAAATCCCTTACTTCACAATCTTTCTTCTCTTCAGGCCCCTTTGGTCCTCTAACTCGAT[C>T]CTCTAAGGGGACGTTCTGGATGAAAGTATACTCTTCAGGTATTGGAAAATATGGCTTTTC-3'
Protein context (NP_114032.2, residues 473-493): YTFIQNVPLE[Asp483Asn]RVRGPKGPEE

ClinVar aggregate classification (germline): Uncertain significance (1 of 4 stars; one submission).

Submission:

CeGaT Center for Human Genetics Tuebingen
Classification: Uncertain significance. Last evaluated: 2025-04-01. Review status: criteria provided, single submitter. Criteria: CeGaT Center For Human Genetics Tuebingen Variant Classification Criteria Version 2. Collection method: clinical testing. Allele origin: germline. Affected: yes. Observed: 1 variant allele.
Comment: HNRNPU: PM2, PP2